The following is an entry in ClinVar:

NM_014003.4(DHX38):c.2893A>T (p.Met965Leu)

Genes: DHX38 (DEAH-box helicase 38; plus strand), LOC126862391 (CDK7 strongly-dependent group 2 enhancer GRCh37_chr16:72141414-72142613; plus strand). Cytogenetic location: 16q22.2.
Variant type: single nucleotide variant.
Coding change: c.2893A>T on transcript NM_014003.4 (MANE Select); coding-DNA position 2893, A replaced by T.
Protein change: p.Met965Leu; replaces methionine 965 with leucine.
Molecular consequence: missense variant.
Genome position (GRCh38, 1-based): chr16:72,107,728, A>T. VCF-style: chr16-72107728-A-T. GRCh37 (hg19) VCF-style: chr16-72141627-A-T.
Other names: short protein forms M965L.
Identifiers: ClinVar variation 1034487 (VCV001034487.7), dbSNP rs780160485, ClinGen allele CA396715083.

ClinVar aggregate classification (germline): Uncertain significance (1 of 4 stars; one submission).

Allele frequency attached by ClinVar (database versions not stated): TOPMed 0.00001.
gnomAD v4.1: 4 of 1,613,856 alleles (0.00025%); highest among the groups gnomAD compares: Middle Eastern, 0.016%; no homozygotes.

Submission:

Labcorp Genetics (formerly Invitae), Labcorp
Classification: Uncertain significance. Last evaluated: 2023-03-13. Review status: criteria provided, single submitter. Criteria: Invitae Variant Classification Sherloc (09022015). Collection method: clinical testing. Allele origin: germline.
Comment: In summary, the available evidence is currently insufficient to determine the role of this variant in disease. Therefore, it has been classified as a Variant of Uncertain Significance. Advanced modeling of protein sequence and biophysical properties (such as structural, functional, and spatial information, amino acid conservation, physicochemical variation, residue mobility, and thermodynamic stability) performed at Invitae indicates that this missense variant is not expected to disrupt DHX38 protein function. ClinVar contains an entry for this variant (Variation ID: 1034487). This variant has not been reported in the literature in individuals affected with DHX38-related conditions. This variant is present in population databases (no rsID available, gnomAD 0.0009%). This sequence change replaces methionine, which is neutral and non-polar, with leucine, which is neutral and non-polar, at codon 965 of the DHX38 protein (p.Met965Leu).